The following is an entry in ClinVar:

NM_000388.4(CASR):c.766G>A (p.Val256Ile)

Gene: CASR (calcium sensing receptor; plus strand). Cytogenetic location: 3q21.1.
Variant type: single nucleotide variant.
Coding change: c.766G>A on transcript NM_000388.4 (MANE Select); coding-DNA position 766, G replaced by A.
Protein change: p.Val256Ile; replaces valine 256 with isoleucine.
Molecular consequence: missense variant.
Genome position (GRCh38, 1-based): chr3:122,261,801, G>A. VCF-style: chr3-122261801-G-A. GRCh37 (hg19) VCF-style: chr3-121980648-G-A.
Other names: c.766G>A, p.Val256Ile (NM_001178065.2); short protein forms V256I.
Identifiers: ClinVar variation 2131878 (VCV002131878.4), dbSNP rs2473226384, ClinGen allele CA354151311.

ClinVar aggregate classification (germline): Uncertain significance (1 of 4 stars; one submission).

Conditions:
Autosomal dominant hypocalcemia 1 (HYPOC1). Also called: HYPOCALCEMIA, FAMILIAL. Identifiers: MedGen C3715128, MONDO:0011013, OMIM 601198.
Familial hypocalciuric hypercalcemia (FHH). Also called: Familial benign hypercalcemia. Identifiers: Orphanet 405, MedGen C1809471, MONDO:0018458.

Allele frequency attached by ClinVar (database versions not stated): gnomAD exomes below 0.00001.
gnomAD v4.1: 1 of 1,614,230 alleles (0.000062%); highest among the groups gnomAD compares: Non-Finnish European, 0.000085%; no homozygotes.

Submission:

Labcorp Genetics (formerly Invitae), Labcorp
Classification: Uncertain significance for Familial hypocalciuric hypercalcemia; Autosomal dominant hypocalcemia 1. Last evaluated: 2023-06-27. Review status: criteria provided, single submitter. Criteria: Invitae Variant Classification Sherloc (09022015). Collection method: clinical testing. Allele origin: germline.
Comment: In summary, the available evidence is currently insufficient to determine the role of this variant in disease. Therefore, it has been classified as a Variant of Uncertain Significance. An algorithm developed to predict the effect of missense changes on protein structure and function (PolyPhen-2) suggests that this variant is likely to be disruptive. ClinVar contains an entry for this variant (Variation ID: 2131878). This variant has not been reported in the literature in individuals affected with CASR-related conditions. This variant is not present in population databases (gnomAD no frequency). This sequence change replaces valine, which is neutral and non-polar, with isoleucine, which is neutral and non-polar, at codon 256 of the CASR protein (p.Val256Ile).